The following is an entry in ClinVar:

NM_001035.3(RYR2):c.1949A>G (p.Asn650Ser)

Gene: RYR2 (ryanodine receptor 2; plus strand). Cytogenetic location: 1q43.
Variant type: single nucleotide variant.
Coding change: c.1949A>G on transcript NM_001035.3 (MANE Select); coding-DNA position 1949, A replaced by G.
Protein change: p.Asn650Ser; replaces asparagine 650 with serine.
Molecular consequence: missense variant.
Genome position (GRCh38, 1-based): chr1:237,493,075, A>G. VCF-style: chr1-237493075-A-G. GRCh37 (hg19) VCF-style: chr1-237656375-A-G.
Other names: c.1949A>G (NM_001035.2); short protein forms N650S.
Identifiers: ClinVar variation 3715307 (VCV003715307.4).

ClinVar aggregate classification (germline): Uncertain significance. Review status: criteria provided, multiple submitters, no conflicts (2 of 4 stars). 3 submissions from 3 submitters: Uncertain significance (3). Last evaluated 2026-06-15.

Conditions:
Cardiomyopathy (CMYO). Also called: Cardiomyopathies. Identifiers: Orphanet 167848, MedGen C0878544, MONDO:0004994, HP:0001638. Inheritance: Various modes of inheritance.
Cardiovascular phenotype. Identifiers: MedGen CN230736.
Catecholaminergic polymorphic ventricular tachycardia 1. Also called: VENTRICULAR TACHYCARDIA, STRESS-INDUCED POLYMORPHIC 1; RYR2-Related Catecholaminergic Polymorphic Ventricular Tachycardia; VENTRICULAR TACHYCARDIA, CATECHOLAMINERGIC POLYMORPHIC, 1, WITH OR WITHOUT ATRIAL DYSFUNCTION AND/OR DILATED CARDIOMYOPATHY. Identifiers: Orphanet 3286, MedGen C1631597, MONDO:0011484, OMIM 604772.

gnomAD v4.1: 1 of 1,613,686 alleles (0.000062%); highest among the groups gnomAD compares: Non-Finnish European, 0.000085%; no homozygotes.

Submissions (3):

Ambry Genetics
Classification: Uncertain significance for Cardiovascular phenotype. Last evaluated: 2026-06-15. Review status: criteria provided, single submitter. Criteria: Ambry Variant Classification Scheme 2023. Collection method: clinical testing. Allele origin: germline.
Comment: The p.N650S variant (also known as c.1949A>G), located in coding exon 19 of the RYR2 gene, results from an A to G substitution at nucleotide position 1949. The asparagine at codon 650 is replaced by serine, an amino acid with highly similar properties. This amino acid position is conserved. In addition, the in silico prediction for this alteration is inconclusive. Based on the available evidence, the clinical significance of this variant remains unclear.

Labcorp Genetics (formerly Invitae), Labcorp
Classification: Uncertain significance for Catecholaminergic polymorphic ventricular tachycardia 1. Last evaluated: 2025-12-23. Review status: criteria provided, single submitter. Criteria: Invitae Variant Classification Sherloc (09022015). Collection method: clinical testing. Allele origin: germline.
Comment: This sequence change replaces asparagine, which is neutral and polar, with serine, which is neutral and polar, at codon 650 of the RYR2 protein (p.Asn650Ser). This variant is not present in population databases (gnomAD no frequency). This variant has not been reported in the literature in individuals affected with RYR2-related conditions. ClinVar contains an entry for this variant (Variation ID: 3715307). Invitae Evidence Modeling of protein sequence and biophysical properties (such as structural, functional, and spatial information, amino acid conservation, physicochemical variation, residue mobility, and thermodynamic stability) indicates that this missense variant is not expected to disrupt RYR2 protein function with a negative predictive value of 95%. In summary, the available evidence is currently insufficient to determine the role of this variant in disease. Therefore, it has been classified as a Variant of Uncertain Significance.

Color Diagnostics, LLC DBA Color Health
Classification: Uncertain significance for Cardiomyopathy. Last evaluated: 2025-08-24. Review status: criteria provided, single submitter. Criteria: ACMG Guidelines, 2015. Collection method: clinical testing. Allele origin: germline.
Comment: This missense variant replaces asparagine with serine at codon 650 of the RYR2 protein. Computational prediction is inconclusive regarding the impact of this variant on protein structure and function. To our knowledge, functional studies have not been reported for this variant. This variant has not been reported in individuals affected with RYR2-related disorders in the literature. This variant has not been identified in the general population by the Genome Aggregation Database (gnomAD). The available evidence is insufficient to determine the role of this variant in disease conclusively. Therefore, this variant is classified as a Variant of Uncertain Significance.